The following is an entry in ClinVar:

ClinVar aggregate classification (germline): Uncertain significance (0 of 4 stars; one submission).

Conditions:
GNAS-related disorder. Identifiers: MedGen CN380105.

Allele frequency attached by ClinVar (database versions not stated): gnomAD 0.00001.
gnomAD v4.1: 13 of 1,533,018 alleles (0.00085%); highest among the groups gnomAD compares: Admixed American, 0.0059%; no homozygotes.

Submission:

PreventionGenetics, part of Exact Sciences
Classification: Uncertain significance for GNAS-related condition. Last evaluated: 2024-05-24. Review status: no assertion criteria provided. Collection method: clinical testing. Allele origin: germline.
Comment: The GNAS c.1448G>A variant is predicted to result in the amino acid substitution p.Arg483Gln. This variant is also referred to as c.-37014G>A (pre-coding) with the more commonly reported NM_000516 transcript. To our knowledge, this variant has not been reported in the literature. This variant is reported in 0.0041% of alleles in individuals of Latino descent in gnomAD. At this time, the clinical significance of this variant is uncertain due to the absence of conclusive functional and genetic evidence.

NM_080425.4(GNAS):c.1448G>A (p.Arg483Gln)

Gene: GNAS (GNAS complex locus; plus strand). Cytogenetic location: 20q13.32.
Variant type: single nucleotide variant.
Coding change: c.1448G>A on transcript NM_080425.4 (MANE Plus Clinical); coding-DNA position 1448, G replaced by A.
Protein change: p.Arg483Gln; replaces arginine 483 with glutamine.
Molecular consequence: missense variant. On other transcripts: intron variant (3).
Genome position (GRCh38, 1-based): chr20:58,854,713, G>A. VCF-style: chr20-58854713-G-A. GRCh37 (hg19) VCF-style: chr20-57429768-G-A.
Other names: c.1261G>A, p.Gly421Arg (NM_001077490.3, NM_001309883.1); c.1448G>A, p.Arg483Gln (NM_001410913.1); c.*42+13827G>A (NM_016592.5); c.43+13827G>A (NM_001410912.1); c.-39+12838G>A (NM_001309861.2); short protein forms G421R, R483Q.
Identifiers: ClinVar variation 2634081 (VCV002634081.2), dbSNP rs758874023, ClinGen allele CA9926691.